The following is an entry in ClinVar:

NM_198591.4(BSG):c.-89C>A

Genes: BSG (basigin (Ok blood group); plus strand), BSG-AS1 (BSG antisense RNA 1; minus strand), LOC130062825 (ATAC-STARR-seq lymphoblastoid active region 13564; plus strand). Cytogenetic location: 19p13.3.
Variant type: single nucleotide variant.
Coding change: c.-89C>A on transcript NM_198591.4; 89 bases upstream of the start codon, C replaced by A.
Molecular consequence: 5 prime UTR variant. On other transcripts: non-coding transcript variant (2).
Genome position (GRCh38, 1-based): chr19:571,546, C>A. VCF-style: chr19-571546-C-A. GRCh37 (hg19) VCF-style: chr19-571546-C-A.
Other names: c.-246C>A (NM_198590.3).
Identifiers: ClinVar variation 3045431 (VCV003045431.2), dbSNP rs140952968, ClinGen allele CA9017457.

ClinVar aggregate classification (germline): Likely benign (0 of 4 stars; one submission).

Conditions:
BSG-related disorder. Also called: BSG-related condition.

Allele frequency attached by ClinVar (database versions not stated): ESP Exome Variant Server 0.00008.
gnomAD v4.1: 13 of 779,504 alleles (0.0017%); highest among the groups gnomAD compares: African/African-American, 0.02%; no homozygotes.

Submission:

PreventionGenetics, part of Exact Sciences
Classification: Likely benign for BSG-related condition. Last evaluated: 2019-03-05. Review status: no assertion criteria provided. Collection method: clinical testing. Allele origin: germline.
Comment: This variant is classified as likely benign based on ACMG/AMP sequence variant interpretation guidelines (Richards et al. 2015 PMID: 25741868, with internal and published modifications).